The following is an entry in ClinVar:

NM_000187.4(HGD):c.299T>C (p.Phe100Ser)

Gene: HGD (homogentisate 1,2-dioxygenase; minus strand). Cytogenetic location: 3q13.33.
Variant type: single nucleotide variant.
Coding change: c.299T>C on transcript NM_000187.4 (MANE Select); coding-DNA position 299, T replaced by C.
Protein change: p.Phe100Ser; replaces phenylalanine 100 with serine.
Molecular consequence: missense variant.
Genome position (GRCh38, 1-based): chr3:120,652,635, A>G on the plus strand (T>C on the coding strand, the complement: HGD is on the minus strand). VCF-style: chr3-120652635-A-G. GRCh37 (hg19) VCF-style: chr3-120371482-A-G.
Other names: short protein forms F100S.
Identifiers: ClinVar variation 2626831 (VCV002626831.1), dbSNP rs2472725001, ClinGen allele CA354078730.
Genomic context (GRCh38, chr3:120,652,635, plus strand): 5'-GGATGGGACTGACTTACACTCACAAAGTCTACTTTCTTCTGAGATGCTTTTGGAATCTCA[A>G]ATGGTTTCCATCTAAGCTGGAAAAAAAATACACATACAGAAAAATTACTTCACAAGGGTA-3'
Protein context (NP_000178.2, residues 90-110): PDPNQLRWKP[Phe100Ser]EIPKASQKKV

ClinVar aggregate classification (germline): Pathogenic (0 of 4 stars; one submission).

Conditions:
Alkaptonuria (AKU). Also called: Alkaptonuric ochronosis; Homogentisic acidura; Alcaptonuria; HOMOGENTISIC ACID OXIDASE DEFICIENCY. Identifiers: Orphanet 56, MedGen C0002066, MONDO:0008753, OMIM 203500.

Allele frequency attached by ClinVar (database versions not stated): gnomAD exomes below 0.00001.
gnomAD v4.1: 2 of 1,613,228 alleles (0.00012%); highest among the groups gnomAD compares: Non-Finnish European, 0.00017%; no homozygotes.

Submission:

Department Of Human Genetics, Institute Of Clinical And Translational Research, Biomedical Research Center, Slovak Academy Of Sciences
Classification: Pathogenic for Alkaptonuria. Review status: no assertion criteria provided. Collection method: research. Allele origin: germline. Inheritance: Autosomal recessive inheritance. Affected: yes. Observed: 1 variant allele.
Comment: The variant has been submitted to the HGD gene mutation database (DB-ID: AKU_00220).